The following is an entry in ClinVar:

NM_013275.6(ANKRD11):c.277A>G (p.Lys93Glu)

Gene: ANKRD11 (ankyrin repeat domain containing 11; minus strand). Cytogenetic location: 16q24.3.
Variant type: single nucleotide variant.
Coding change: c.277A>G on transcript NM_013275.6 (MANE Select); coding-DNA position 277, A replaced by G.
Protein change: p.Lys93Glu; replaces lysine 93 with glutamic acid.
Molecular consequence: missense variant. On other transcripts: non-coding transcript variant (1).
Genome position (GRCh38, 1-based): chr16:89,291,133, T>C on the plus strand (A>G on the coding strand, the complement: ANKRD11 is on the minus strand). VCF-style: chr16-89291133-T-C. GRCh37 (hg19) VCF-style: chr16-89357541-T-C.
Other names: c.277A>G, p.Lys93Glu (NM_001256182.2, NM_001256183.2); short protein forms K93E.
Identifiers: ClinVar variation 3893512 (VCV003893512.1).

ClinVar aggregate classification (germline): Uncertain significance (1 of 4 stars; one submission).

Submission:

GeneDx
Classification: Uncertain significance. Last evaluated: 2024-10-22. Review status: criteria provided, single submitter. Criteria: GeneDx Variant Classification Process June 2021. Collection method: clinical testing. Allele origin: germline. Affected: yes.
Comment: Not observed at significant frequency in large population cohorts (gnomAD); In silico analysis supports that this missense variant has a deleterious effect on protein structure/function; Has not been previously published as pathogenic or benign to our knowledge